The following is an entry in ClinVar:

NM_001080453.3(INTS1):c.2165+9_2165+42del

Gene: INTS1 (integrator complex subunit 1; minus strand). Cytogenetic location: 7p22.3.
Variant type: Deletion.
Coding change: c.2165+9_2165+42del on transcript NM_001080453.3 (MANE Select); bases 9 to 42 of the intron after coding-DNA position 2165, 34 bases deleted.
Molecular consequence: splice donor variant.
Genome position (GRCh38, 1-based): chr7:1,492,968-1,493,001, 34 bases deleted; deleting any 34 consecutive bases within chr7:1,492,968-1,493,011 gives the same sequence; the c. name uses the placement nearest the transcript's 3' end. GRCh37 (hg19): chr7:1,532,614-1,532,647.
Identifiers: ClinVar variation 2501972 (VCV002501972.1), dbSNP rs771640034, ClinGen allele CA4119975.

ClinVar aggregate classification (germline): Likely benign (1 of 4 stars; one submission).

Submission:

GeneDx
Classification: Likely benign. Last evaluated: 2023-05-11. Review status: criteria provided, single submitter. Criteria: GeneDx Variant Classification Process June 2021. Collection method: clinical testing. Allele origin: germline. Affected: yes.
Comment: See Variant Classification Assertion Criteria.